The following is an entry in ClinVar:

NM_000123.4(ERCC5):c.2842T>C (p.Phe948Leu)

Genes: BIVM-ERCC5 (BIVM-ERCC5 readthrough; plus strand), ERCC5 (ERCC excision repair 5, endonuclease; plus strand). Cytogenetic location: 13q33.1.
Variant type: single nucleotide variant.
Coding change: c.2842T>C on transcript NM_000123.4 (MANE Select); coding-DNA position 2842, T replaced by C.
Protein change: p.Phe948Leu; replaces phenylalanine 948 with leucine.
Molecular consequence: missense variant.
Genome position (GRCh38, 1-based): chr13:102,872,361, T>C. VCF-style: chr13-102872361-T-C. GRCh37 (hg19) VCF-style: chr13-103524711-T-C.
Other names: c.4204T>C, p.Phe1402Leu (NM_001204425.2); c.4204T>C (NM_001204425.1); short protein forms F948L, F1402L.
Identifiers: ClinVar variation 210954 (VCV000210954.9), dbSNP rs200001652, ClinGen allele CA206172.

ClinVar aggregate classification (germline): Uncertain significance. Review status: criteria provided, multiple submitters, no conflicts (2 of 4 stars). 4 submissions from 4 submitters: Uncertain significance (4). Last evaluated 2025-08-25.

Conditions:
Cerebrooculofacioskeletal syndrome 3 (COFS3). Identifiers: MedGen C1851443, MONDO:0014696, OMIM 616570.
Xeroderma pigmentosum, group G (XPG). Also called: XERODERMA PIGMENTOSUM VII; XP, GROUP G; Xeroderma pigmentosum type 7; ERCC5-Related Xeroderma Pigmentosum. Identifiers: MedGen C0268141, MONDO:0010216, OMIM 278780.

Allele frequency attached by ClinVar (database versions not stated): gnomAD exomes 0.00001 and 0.00002; ExAC 0.00002; gnomAD 0.00007; TOPMed 0.00011; 1000 Genomes Project 30x 0.00047; 1000 Genomes Project 0.00060.
gnomAD v4.1: 34 of 1,614,206 alleles (0.0021%); highest among the groups gnomAD compares: African/African-American, 0.039%; no homozygotes.

Submissions (4):

Ambry Genetics
Classification: Uncertain significance. Last evaluated: 2025-08-25. Review status: criteria provided, single submitter. Criteria: Ambry Variant Classification Scheme 2023. Collection method: clinical testing. Allele origin: germline.

GeneDx
Classification: Uncertain significance. Last evaluated: 2025-05-13. Review status: criteria provided, single submitter. Criteria: GeneDx Variant Classification Process June 2021. Collection method: clinical testing. Allele origin: germline. Affected: yes.
Comment: In silico analysis supports that this missense variant has a deleterious effect on protein structure/function; Has not been previously published as pathogenic or benign to our knowledge

Fulgent Genetics
Classification: Uncertain significance for Xeroderma pigmentosum, group G; Cerebrooculofacioskeletal syndrome 3. Last evaluated: 2024-01-02. Review status: criteria provided, single submitter. Criteria: ACMG Guidelines, 2015. Collection method: clinical testing. Allele origin: germline.

Genetic Services Laboratory, University of Chicago
Classification: Uncertain significance. Last evaluated: 2015-03-31. Review status: criteria provided, single submitter. Criteria: ACMG Guidelines, 2015. Collection method: clinical testing. Allele origin: germline.